The following is an entry in ClinVar:

NM_015910.7(WDPCP):c.2050_2053del (p.Gln684fs)

Gene: WDPCP (WD repeat containing planar cell polarity effector; minus strand). Cytogenetic location: 2p15.
Variant type: Deletion.
Coding change: c.2050_2053del on transcript NM_015910.7 (MANE Select); coding-DNA positions 2050 to 2053, 4 bases deleted (CAAA; older notation c.2050_2053delCAAA).
Protein change: p.Gln684fs; shifts the reading frame from glutamine 684.
Molecular consequence: frameshift variant. On other transcripts: non-coding transcript variant (3).
Genome position (GRCh38, 1-based): chr2:63,174,695-63,174,698, TTTG deleted on the plus strand (CAAA on the coding strand, the reverse complement: WDPCP is on the minus strand); deleting any 4 consecutive bases within chr2:63,174,695-63,174,700 gives the same sequence; the c. name uses the placement nearest the transcript's 3' end. VCF-style (leftmost placement, unchanged base first): chr2-63174694-CTTTG-C. GRCh37 (hg19) VCF-style: chr2-63401829-CTTTG-C.
Other names: c.1573_1576del, p.Gln525fs (NM_001042692.3); c.1978_1981del, p.Gln660fs (NM_001354044.2); short protein forms Q525fs, Q660fs, Q684fs.
Identifiers: ClinVar variation 3062312 (VCV003062312.1), dbSNP rs2469249675, ClinGen allele CA1139771172.
Genomic context (GRCh38, chr2:63,174,694, plus strand): 5'-TTTATGGAGCAATTTCCTCAGTTCAACATTTCTTACCTGTTAGAAGAGCCATTCAGTATT[CTTTG>C]TTGTAAAATATGTCTGTGGGTTGGGCAAGAGGGAGGGAGGTTATCTGGAAATGAGTCTTC-3'

ClinVar aggregate classification (germline): Likely pathogenic (1 of 4 stars; one submission).

Conditions:
Heart defect - tongue hamartoma - polysyndactyly syndrome. Also called: Congenital heart defects, hamartomas of tongue, and polysyndactyly. Identifiers: Orphanet 1338, MedGen C1857587, MONDO:0009008, OMIM 217085.

Submission:

Molecular Genetics Department, Kulakov National Medical Research Center for Obstetrics, Gynecology and Perinatology
Classification: Likely pathogenic for Heart defect - tongue hamartoma - polysyndactyly syndrome. Review status: criteria provided, single submitter. Criteria: ACMG Guidelines, 2015. Collection method: clinical testing. Allele origin: maternal. Affected: yes.
Comment: A previously undescribed nucleotide variant creates a frameshift p.Gln684GlufsTer3 in the WDPCP gene. Homozygous and compound heterozygous variants are reported in patients with Congenital heart defects, hamartomas of tongue, and polysyndactyly, 217085. The variant is not present in population database (gnomAD no frequency). In summary, the currently available evidence indicates that the variant is pathogenic, but additional data are needed to prove that conclusively. Therefore, this variant has been classified as likely pathogenic.